The following is an entry in ClinVar:

ClinVar aggregate classification (germline): Uncertain significance. Review status: criteria provided, multiple submitters, no conflicts (2 of 4 stars). 4 submissions from 4 submitters: Uncertain significance (4). Last evaluated 2025-03-01.

Allele frequency attached by ClinVar (database versions not stated): TOPMed 0.00050; ESP Exome Variant Server 0.00108.
gnomAD v4.1: 995 of 1,612,940 alleles (0.062%); highest among the groups gnomAD compares: Non-Finnish European, 0.073%; no homozygotes.

Submissions (4):

CeGaT Center for Human Genetics Tuebingen
Classification: Uncertain significance. Last evaluated: 2025-03-01. Review status: criteria provided, single submitter. Criteria: CeGaT Center For Human Genetics Tuebingen Variant Classification Criteria Version 2. Collection method: clinical testing. Allele origin: germline. Affected: yes. Observed: 1 variant allele.

Clinical Genetics Laboratory, Skane University Hospital Lund
Classification: Uncertain significance. Last evaluated: 2022-05-27. Review status: criteria provided, single submitter. Criteria: ACMG Guidelines, 2015. Collection method: clinical testing. Allele origin: germline. Affected: yes.

ARUP Laboratories, Molecular Genetics and Genomics, ARUP Laboratories
Classification: Uncertain significance. Last evaluated: 2020-06-11. Review status: criteria provided, single submitter. Criteria: ARUP Molecular Germline Variant Investigation Process. Collection method: clinical testing. Allele origin: germline.
Comment: The INO80 c.4162G>C; p.Ala1388Pro variant (rs149995664), to our knowledge, is not reported in the medical literature but is reported in the Leiden open variation database (see link). This variant is found in the general population with an overall allele frequency of 0.058% (164/282830 alleles) in the Genome Aggregation Database. The alanine at codon 1388 is moderately conserved, and computational analyses (SIFT, PolyPhen-2) predict that this variant is tolerated. Due to limited information, the clinical significance of the p.Ala1388Pro variant is uncertain at this time. References: Link to Leiden open variation database

Breakthrough Genomics
Classification: Uncertain significance. Review status: criteria provided, single submitter. Criteria: ACMG Guidelines, 2015. Collection method: not provided. Allele origin: germline. Inheritance: Unknown mechanism. Affected: yes.

NM_017553.3(INO80):c.4162G>C (p.Ala1388Pro)

Gene: INO80 (INO80 complex ATPase subunit; minus strand). Cytogenetic location: 15q15.1.
Variant type: single nucleotide variant.
Coding change: c.4162G>C on transcript NM_017553.3 (MANE Select); coding-DNA position 4162, G replaced by C.
Protein change: p.Ala1388Pro; replaces alanine 1388 with proline.
Molecular consequence: missense variant. On other transcripts: non-coding transcript variant (1).
Genome position (GRCh38, 1-based): chr15:40,983,837, C>G on the plus strand (G>C on the coding strand, the complement: INO80 is on the minus strand). VCF-style: chr15-40983837-C-G. GRCh37 (hg19) VCF-style: chr15-41276035-C-G.
Other names: c.4162G>C (NM_017553.2); short protein forms A1388P.
Identifiers: ClinVar variation 995710 (VCV000995710.17), dbSNP rs149995664, ClinGen allele CA7488520.